The following is an entry in ClinVar:

NM_015896.4(ZMYND10):c.578A>G (p.Tyr193Cys)

Gene: ZMYND10 (zinc finger MYND-type containing 10; minus strand). Cytogenetic location: 3p21.31.
Variant type: single nucleotide variant.
Coding change: c.578A>G on transcript NM_015896.4 (MANE Select); coding-DNA position 578, A replaced by G.
Protein change: p.Tyr193Cys; replaces tyrosine 193 with cysteine.
Molecular consequence: missense variant.
Genome position (GRCh38, 1-based): chr3:50,343,139, T>C on the plus strand (A>G on the coding strand, the complement: ZMYND10 is on the minus strand). VCF-style: chr3-50343139-T-C. GRCh37 (hg19) VCF-style: chr3-50380570-T-C.
Other names: c.578A>G, p.Tyr193Cys (NM_001308379.2); short protein forms Y193C.
Identifiers: ClinVar variation 2097320 (VCV002097320.4), dbSNP rs2470923420, ClinGen allele CA352942106.

ClinVar aggregate classification (germline): Uncertain significance (1 of 4 stars; one submission).

Conditions:
Primary ciliary dyskinesia. Also called: Ciliary dyskinesia. Identifiers: Orphanet 244, MedGen C0008780, MONDO:0016575, HP:0012265.

Allele frequency attached by ClinVar (database versions not stated): gnomAD exomes below 0.00001.

Submission:

Labcorp Genetics (formerly Invitae), Labcorp
Classification: Uncertain significance for Primary ciliary dyskinesia. Last evaluated: 2022-02-12. Review status: criteria provided, single submitter. Criteria: Invitae Variant Classification Sherloc (09022015). Collection method: clinical testing. Allele origin: germline.
Comment: This variant is not present in population databases (gnomAD no frequency). This sequence change replaces tyrosine, which is neutral and polar, with cysteine, which is neutral and slightly polar, at codon 193 of the ZMYND10 protein (p.Tyr193Cys). In summary, the available evidence is currently insufficient to determine the role of this variant in disease. Therefore, it has been classified as a Variant of Uncertain Significance. Algorithms developed to predict the effect of missense changes on protein structure and function are either unavailable or do not agree on the potential impact of this missense change (SIFT: "Deleterious"; PolyPhen-2: "Benign"; Align-GVGD: "Class C55"). This variant has not been reported in the literature in individuals affected with ZMYND10-related conditions.